The following is an entry in ClinVar:

NM_001374736.1(DST):c.19509A>G (p.Ser6503=)

Gene: DST (dystonin; minus strand). Cytogenetic location: 6p12.1.
Variant type: single nucleotide variant.
Coding change: c.19509A>G on transcript NM_001374736.1 (MANE Select); coding-DNA position 19509, A replaced by G.
Protein change: p.Ser6503=; no amino-acid change (serine 6503 retained).
Molecular consequence: synonymous variant.
Genome position (GRCh38, 1-based): chr6:56,504,054, T>C on the plus strand (A>G on the coding strand, the complement: DST is on the minus strand). VCF-style: chr6-56504054-T-C. GRCh37 (hg19) VCF-style: chr6-56368852-T-C.
Other names: c.13152A>G, p.Ser4384= (NM_001144769.5); c.12738A>G, p.Ser4246= (NM_001144770.2); c.19509A>G, p.Ser6503= (NM_001374722.1); c.18549A>G, p.Ser6183= (NM_001374729.1); c.12291A>G, p.Ser4097= (NM_001374730.1); c.19536A>G, p.Ser6512= (NM_001374734.1); c.12618A>G, p.Ser4206= (NM_001386100.1, NM_183380.4); c.11640A>G, p.Ser3880= (NM_015548.5).
Identifiers: ClinVar variation 2158213 (VCV002158213.1), dbSNP rs746644188, ClinGen allele CA3866965.

ClinVar aggregate classification (germline): Uncertain significance (1 of 4 stars; one submission).

Conditions:
Hereditary sensory and autonomic neuropathy type 6. Also called: HSAN VI; Neuropathy, hereditary sensory and autonomic, type VI. Identifiers: Orphanet 314381, MedGen C3539003, MONDO:0013839, OMIM 614653.
Epidermolysis bullosa simplex 3, localized or generalized intermediate, with BP230 deficiency (EBS3). Also called: Epidermolysis bullosa simplex due to BP230 deficiency; Epidermolysis bullosa simplex, autosomal recessive 2. Identifiers: Orphanet 412181, MedGen C3809470, MONDO:0014180, OMIM 615425.

Allele frequency attached by ClinVar (database versions not stated): gnomAD exomes below 0.00001; ExAC 0.00001; TOPMed 0.00002; gnomAD 0.00003.
gnomAD v4.1: 5 of 1,609,378 alleles (0.00031%); highest among the groups gnomAD compares: Admixed American, 0.0051%; no homozygotes.

Submission:

Labcorp Genetics (formerly Invitae), Labcorp
Classification: Uncertain significance for Epidermolysis bullosa simplex 3, localized or generalized intermediate, with BP230 deficiency; Hereditary sensory and autonomic neuropathy type 6. Last evaluated: 2022-07-15. Review status: criteria provided, single submitter. Criteria: Invitae Variant Classification Sherloc (09022015). Collection method: clinical testing. Allele origin: germline.
Comment: The DST gene has multiple clinically relevant transcripts. This variant occurs in alternate transcript NM_015548.4, and corresponds to NM_001723.5:c.*111463A>G in the primary transcript. This sequence change affects codon 3880 of the DST mRNA. It is a 'silent' change, meaning that it does not change the encoded amino acid sequence of the DST protein. This variant is present in population databases (rs746644188, gnomAD 0.004%). This variant has not been reported in the literature in individuals affected with DST-related conditions. Experimental studies and prediction algorithms are not available or were not evaluated, and the effect of this variant on mRNA splicing is currently unknown. In summary, the available evidence is currently insufficient to determine the role of this variant in disease. Therefore, it has been classified as a Variant of Uncertain Significance.